The following is an entry in ClinVar:

NM_001166108.2(PALLD):c.2087A>G (p.Asn696Ser)

Gene: PALLD (palladin, cytoskeletal associated protein; plus strand). Cytogenetic location: 4q32.3.
Variant type: single nucleotide variant.
Coding change: c.2087A>G on transcript NM_001166108.2 (MANE Select); coding-DNA position 2087, A replaced by G.
Protein change: p.Asn696Ser; replaces asparagine 696 with serine.
Molecular consequence: missense variant. On other transcripts: 5 prime UTR variant (4).
Genome position (GRCh38, 1-based): chr4:168,891,044, A>G. VCF-style: chr4-168891044-A-G. GRCh37 (hg19) VCF-style: chr4-169812195-A-G.
Other names: c.941A>G, p.Asn314Ser (NM_001166109.2); c.626A>G, p.Asn209Ser (NM_001166110.2); c.-35A>G (NM_001367567.1, NM_001367568.1, NM_001367569.1 and 1 more transcripts); c.2087A>G, p.Asn696Ser (NM_016081.4); short protein forms N209S, N314S, N696S.
Identifiers: ClinVar variation 3226765 (VCV003226765.1), dbSNP rs2533588453, ClinGen allele CA358797316.

ClinVar aggregate classification (germline): Uncertain significance (1 of 4 stars; one submission).

Submission:

Ambry Genetics
Classification: Uncertain significance. Last evaluated: 2023-12-10. Review status: criteria provided, single submitter. Criteria: Ambry Variant Classification Scheme 2023. Collection method: clinical testing. Allele origin: germline.
Comment: The p.N696S variant (also known as c.2087A>G), located in coding exon 10 of the PALLD gene, results from an A to G substitution at nucleotide position 2087. The asparagine at codon 696 is replaced by serine, an amino acid with highly similar properties. This amino acid position is conserved. In addition, this alteration is predicted to be tolerated by in silico analysis. Since supporting evidence is limited at this time, the clinical significance of this alteration remains unclear.